The following is an entry in ClinVar:

NM_001127644.2(GABRA1):c.-117GACTCG[3]

Gene: GABRA1 (gamma-aminobutyric acid type A receptor subunit alpha1; plus strand). Cytogenetic location: 5q34.
Variant type: Microsatellite.
Coding change: c.-117GACTCG[3] on transcript NM_001127644.2 (MANE Select); three copies in a row of the 6-base unit GACTCG starting at c.-117; the reference has two copies in a row; one copy, 6 bases duplicated.
Molecular consequence: 5 prime UTR variant.
Genome position (GRCh38, 1-based): chr5:161,848,327-161,848,332, GACTCG duplicated; duplicating any 6 consecutive bases within chr5:161,848,319-161,848,332 gives the same sequence; the position shown is the placement nearest the transcript's 3' end. VCF-style (leftmost placement, unchanged base first): chr5-161848318-C-CCGGACT. GRCh37 (hg19) VCF-style: chr5-161275324-C-CCGGACT.
Other names: c.-117GACTCG[3] (NM_000806.5, NM_001127643.2).
Identifiers: ClinVar variation 352593 (VCV000352593.33), dbSNP rs527890421, ClinGen allele CA10624020.

ClinVar aggregate classification (germline): Conflicting classifications of pathogenicity. Review status: criteria provided, conflicting classifications (1 of 4 stars). 2 submissions from 2 submitters: Uncertain significance (1); Likely benign (1). Last evaluated 2023-04-01.

Submissions (2):

CeGaT Center for Human Genetics Tuebingen
Classification: Likely benign. Last evaluated: 2023-04-01. Review status: criteria provided, single submitter. Criteria: CeGaT Center For Human Genetics Tuebingen Variant Classification Criteria Version 2. Collection method: clinical testing. Allele origin: germline. Affected: yes. Observed: 2 variant alleles.
Comment: GABRA1: BS1

Breakthrough Genomics
Classification: Uncertain significance. Review status: criteria provided, single submitter. Criteria: ACMG Guidelines, 2015. Collection method: not provided. Allele origin: germline. Inheritance: Autosomal dominant inheritance. Affected: yes.